The following is an entry in ClinVar:

NM_004444.5(EPHB4):c.1667T>C (p.Ile556Thr)

Gene: EPHB4 (EPH receptor B4; minus strand). Cytogenetic location: 7q22.1.
Variant type: single nucleotide variant.
Coding change: c.1667T>C on transcript NM_004444.5 (MANE Select); coding-DNA position 1667, T replaced by C.
Protein change: p.Ile556Thr; replaces isoleucine 556 with threonine.
Molecular consequence: missense variant.
Genome position (GRCh38, 1-based): chr7:100,813,943, A>G on the plus strand (T>C on the coding strand, the complement: EPHB4 is on the minus strand). VCF-style: chr7-100813943-A-G. GRCh37 (hg19) VCF-style: chr7-100411565-A-G.
Other names: short protein forms I556T.
Identifiers: ClinVar variation 3089678 (VCV003089678.2), dbSNP rs1488860277, ClinGen allele CA368571716.
Genomic context (GRCh38, chr7:100,813,943, plus strand): 5'-GGGCTTCCAGGGGCCTCTGGGTGTCAGAGCCCTTACCTGAGGCAGAGAACTGCGACCACA[A>G]TGACCACCAGGACCAGGACCACACCCACGACTGCCGTGCCCGCAATCAGGGCCAGCTGCT-3'
Protein context (NP_004435.3, residues 546-566): VVGVVLVLVV[Ile556Thr]VVAVLCLRKQ

ClinVar aggregate classification (germline): Uncertain significance (1 of 4 stars; one submission).

Conditions:
Cardiovascular phenotype. Identifiers: MedGen CN230736.

Allele frequency attached by ClinVar (database versions not stated): gnomAD exomes below 0.00001; TOPMed 0.00001.
gnomAD v4.1: 7 of 1,614,118 alleles (0.00043%); highest among the groups gnomAD compares: South Asian, 0.0022%; no homozygotes.

Submission:

Ambry Genetics
Classification: Uncertain significance for Cardiovascular phenotype. Last evaluated: 2026-05-03. Review status: criteria provided, single submitter. Criteria: Ambry Variant Classification Scheme 2023. Collection method: clinical testing. Allele origin: germline.
Comment: The p.I556T variant (also known as c.1667T>C), located in coding exon 9 of the EPHB4 gene, results from a T to C substitution at nucleotide position 1667. The isoleucine at codon 556 is replaced by threonine, an amino acid with similar properties. This amino acid position is conserved. In addition, this alteration is predicted to be tolerated by in silico analysis. Based on the available evidence, the clinical significance of this variant remains unclear.